The following is an entry in ClinVar:

NM_015874.6(RBPJ):c.12T>C (p.Val4=)

Gene: RBPJ (recombination signal binding protein for immunoglobulin kappa J region; plus strand). Cytogenetic location: 4p15.2.
Variant type: single nucleotide variant.
Coding change: c.12T>C on transcript NM_015874.6 (MANE Select); coding-DNA position 12, T replaced by C.
Protein change: p.Val4=; no amino-acid change (valine 4 retained).
Molecular consequence: synonymous variant. On other transcripts: 5 prime UTR variant (1), intron variant (8).
Genome position (GRCh38, 1-based): chr4:26,321,040, T>C. VCF-style: chr4-26321040-T-C. GRCh37 (hg19) VCF-style: chr4-26322662-T-C.
Other names: c.-175T>C (NM_203284.3); c.-166-41406T>C (NM_001374401.1); c.-167+225T>C (NM_001379407.1); c.59+225T>C (NM_005349.4, NM_001379408.1, NM_001374400.1); c.-167+1152T>C (NM_001379406.1); c.-47+1152T>C (NM_203283.5); c.14+1152T>C (NM_001379409.1).
Identifiers: ClinVar variation 4982612 (VCV004982612.1).

ClinVar aggregate classification (germline): Likely benign (1 of 4 stars; one submission).

Conditions:
RBPJ-related disorder. Also called: RBPJ-related condition.

gnomAD v4.1: 3 of 1,611,462 alleles (0.00019%); highest among the groups gnomAD compares: South Asian, 0.0022%; no homozygotes.

Submission:

PreventionGenetics, part of Exact Sciences
Classification: Likely benign for RBPJ-related condition. Last evaluated: 2025-10-13. Review status: criteria provided, single submitter. Criteria: ACMG Guidelines, 2015. Collection method: clinical testing. Allele origin: germline.
Comment: This variant is classified as likely benign based on ACMG/AMP sequence variant interpretation guidelines (Richards et al. 2015 PMID: 25741868, with internal and published modifications).